The following is an entry in ClinVar:

NM_001365276.2(TNXB):c.10396C>T (p.Arg3466Cys)

Gene: TNXB (tenascin XB; minus strand). Cytogenetic location: 6p21.33.
Variant type: single nucleotide variant.
Coding change: c.10396C>T on transcript NM_001365276.2 (MANE Select); coding-DNA position 10396, C replaced by T.
Protein change: p.Arg3466Cys; replaces arginine 3466 with cysteine.
Molecular consequence: missense variant.
Genome position (GRCh38, 1-based): chr6:32,046,385, G>A on the plus strand (C>T on the coding strand, the complement: TNXB is on the minus strand). VCF-style: chr6-32046385-G-A. GRCh37 (hg19) VCF-style: chr6-32014162-G-A.
Other names: c.10390C>T, p.Arg3464Cys (NM_019105.8); short protein forms R3464C, R3466C.
Identifiers: ClinVar variation 1301263 (VCV001301263.3), dbSNP rs1005686810, ClinGen allele CA136898215.

ClinVar aggregate classification (germline): Conflicting classifications of pathogenicity. Review status: criteria provided, conflicting classifications (1 of 4 stars). 2 submissions from 2 submitters: Uncertain significance (1); Likely benign (1). Last evaluated 2025-05-22.

Conditions:
Cardiovascular phenotype. Identifiers: MedGen CN230736.

Allele frequency attached by ClinVar (database versions not stated): gnomAD 0.00002 and 0.00001; gnomAD exomes 0.00001.
gnomAD v4.1: 12 of 1,592,992 alleles (0.00075%); highest among the groups gnomAD compares: East Asian, 0.0022%; no homozygotes.

Submissions (2):

Ambry Genetics
Classification: Likely benign for Cardiovascular phenotype. Last evaluated: 2025-05-22. Review status: criteria provided, single submitter. Criteria: Ambry Variant Classification Scheme 2023. Collection method: clinical testing. Allele origin: germline.

GeneDx
Classification: Uncertain significance. Last evaluated: 2021-03-18. Review status: criteria provided, single submitter. Criteria: GeneDx Variant Classification Process June 2021. Collection method: clinical testing. Allele origin: germline. Affected: yes.
Comment: Has not been previously published as pathogenic or benign to our knowledge; Not observed at a significant frequency in large population cohorts (Lek et al., 2016); In silico analysis supports that this missense variant has a deleterious effect on protein structure/function